The following is an entry in ClinVar:

ClinVar aggregate classification (germline): Uncertain significance (1 of 4 stars; one submission).

Conditions:
Duchenne muscular dystrophy (DMD). Also called: MUSCULAR DYSTROPHY, PSEUDOHYPERTROPHIC PROGRESSIVE, DUCHENNE TYPE; Duchenne Muscular Dystrophy (DMD). Identifiers: Orphanet 98896, MedGen C0013264, MONDO:0010679, OMIM 310200.

Allele frequency attached by ClinVar (database versions not stated): gnomAD exomes below 0.00001 and 0.00001; ExAC 0.00001; gnomAD 0.00001; TOPMed 0.00001; ESP Exome Variant Server 0.00009.
gnomAD v4.1: 3 of 1,209,233 alleles (0.00025%); highest among the groups gnomAD compares: Non-Finnish European, 0.00034%; no homozygotes.

Submission:

Labcorp Genetics (formerly Invitae), Labcorp
Classification: Uncertain significance for Duchenne muscular dystrophy. Last evaluated: 2021-08-31. Review status: criteria provided, single submitter. Criteria: Invitae Variant Classification Sherloc (09022015). Collection method: clinical testing. Allele origin: germline.
Comment: This sequence change replaces isoleucine with phenylalanine at codon 1477 of the DMD protein (p.Ile1477Phe). The isoleucine residue is highly conserved and there is a small physicochemical difference between isoleucine and phenylalanine. This variant is present in population databases (rs376143404, ExAC 0.002%). This variant has not been reported in the literature in individuals affected with DMD-related conditions. Algorithms developed to predict the effect of missense changes on protein structure and function are either unavailable or do not agree on the potential impact of this missense change (SIFT: "Tolerated"; PolyPhen-2: "Possibly Damaging"; Align-GVGD: "Class C0"). In summary, the available evidence is currently insufficient to determine the role of this variant in disease. Therefore, it has been classified as a Variant of Uncertain Significance.

NM_004006.3(DMD):c.4429A>T (p.Ile1477Phe)

Gene: DMD (dystrophin; minus strand). Cytogenetic location: Xp21.1.
Variant type: single nucleotide variant.
Coding change: c.4429A>T on transcript NM_004006.3 (MANE Select); coding-DNA position 4429, A replaced by T.
Protein change: p.Ile1477Phe; replaces isoleucine 1477 with phenylalanine.
Molecular consequence: missense variant.
Genome position (GRCh38, 1-based): chrX:32,389,590, T>A on the plus strand (A>T on the coding strand, the complement: DMD is on the minus strand). VCF-style: chrX-32389590-T-A. GRCh37 (hg19) VCF-style: chrX-32407707-T-A.
Other names: c.4405A>T, p.Ile1469Phe (NM_000109.4); c.4417A>T, p.Ile1473Phe (NM_004009.3); c.4060A>T, p.Ile1354Phe (NM_004010.3); c.406A>T, p.Ile136Phe (NM_004011.4); c.397A>T, p.Ile133Phe (NM_004012.4); short protein forms I133F, I136F, I1473F, I1354F, I1469F, I1477F.
Identifiers: ClinVar variation 955926 (VCV000955926.7), dbSNP rs376143404, ClinGen allele CA10378954.